The following is an entry in ClinVar:

NM_139119.3(YY1AP1):c.-151-20_-151-18del

Genes: DAP3 (death associated protein 3; plus strand), YY1AP1 (YY1 associated protein 1; minus strand). Cytogenetic location: 1q22.
Variant type: Microsatellite.
Coding change: c.-151-20_-151-18del on transcript NM_139119.3 (MANE Select); 20 bases into the intron before 151 bases upstream of the start codon through 18 bases into the intron before 151 bases upstream of the start codon, 3 bases deleted (CTC; older notation c.-151-20_-151-18delCTC).
Molecular consequence: intron variant. On other transcripts: inframe deletion (2).
Genome position (GRCh38, 1-based): chr1:155,688,219-155,688,221, GAG deleted on the plus strand (CTC on the coding strand, the reverse complement: YY1AP1 is on the minus strand); deleting any 3 consecutive bases within chr1:155,688,219-155,688,224 gives the same sequence; the c. name uses the placement nearest the transcript's 3' end. VCF-style (leftmost placement, unchanged base first): chr1-155688218-AGAG-A. GRCh37 (hg19) VCF-style: chr1-155658009-AGAG-A.
Other names: c.241CTC[1], p.Leu82del (NM_001198903.1, NM_001198904.1); c.-21+709_-21+711del (NM_001198901.2); c.-375+709_-375+711del (NM_139121.3); c.48-20_48-18del (NM_139118.3, NM_001198906.2); c.-21+438_-21+440del (NM_001198902.2); c.-143-20_-143-18del (NM_001198900.2); c.-151-20_-151-18del (NM_001198905.2); c.-265-20_-265-18del (NM_018253.4); and 1 more; short protein forms L82del.
Identifiers: ClinVar variation 1031923 (VCV001031923.1), dbSNP rs752215310, ClinGen allele CA1149012.

ClinVar aggregate classification (germline): Uncertain significance (1 of 4 stars; one submission).

Conditions:
Grange syndrome (GRNG). Also called: GRANGE OCCLUSIVE ARTERIAL SYNDROME. Identifiers: Orphanet 79094, MedGen C1865267, MONDO:0011243, OMIM 602531.

Submission:

Baylor Genetics
Classification: Uncertain significance for Grange syndrome. Last evaluated: 2018-02-16. Review status: criteria provided, single submitter. Criteria: ACMG Guidelines, 2015. Collection method: clinical testing. Allele origin: paternal. Affected: yes.
Comment: This variant was determined to be of uncertain significance according to ACMG Guidelines, 2015 [PMID:25741868].